The following is an entry in ClinVar:

NM_015202.5(KATNIP):c.3838G>A (p.Glu1280Lys)

Gene: KATNIP (katanin interacting protein; plus strand). Cytogenetic location: 16p12.1.
Variant type: single nucleotide variant.
Coding change: c.3838G>A on transcript NM_015202.5 (MANE Select); coding-DNA position 3838, G replaced by A.
Protein change: p.Glu1280Lys; replaces glutamic acid 1280 with lysine.
Molecular consequence: missense variant.
Genome position (GRCh38, 1-based): chr16:27,766,337, G>A. VCF-style: chr16-27766337-G-A. GRCh37 (hg19) VCF-style: chr16-27777658-G-A.
Other names: short protein forms E1280K.
Identifiers: ClinVar variation 2579394 (VCV002579394.1), dbSNP rs2543393316, ClinGen allele CA395329832.

ClinVar aggregate classification (germline): Uncertain significance (1 of 4 stars; one submission).

Allele frequency attached by ClinVar (database versions not stated): gnomAD exomes below 0.00001.

Submission:

GeneDx
Classification: Uncertain significance. Last evaluated: 2023-03-06. Review status: criteria provided, single submitter. Criteria: GeneDx Variant Classification Process June 2021. Collection method: clinical testing. Allele origin: germline. Affected: yes.
Comment: Not observed at significant frequency in large population cohorts (gnomAD); In silico analysis supports that this missense variant does not alter protein structure/function; Has not been previously published as pathogenic or benign to our knowledge